The following is an entry in ClinVar:

NM_016122.3(CEP83):c.1112A>C (p.Glu371Ala)

Gene: CEP83 (centrosomal protein 83; minus strand). Cytogenetic location: 12q22.
Variant type: single nucleotide variant.
Coding change: c.1112A>C on transcript NM_016122.3 (MANE Select); coding-DNA position 1112, A replaced by C.
Protein change: p.Glu371Ala; replaces glutamic acid 371 with alanine.
Molecular consequence: missense variant. On other transcripts: non-coding transcript variant (1).
Genome position (GRCh38, 1-based): chr12:94,368,138, T>G on the plus strand (A>C on the coding strand, the complement: CEP83 is on the minus strand). VCF-style: chr12-94368138-T-G. GRCh37 (hg19) VCF-style: chr12-94761914-T-G.
Other names: c.1112A>C, p.Glu371Ala (NM_001042399.2, NM_001346457.2, NM_001368037.1 and 1 more transcripts); c.800A>C, p.Glu267Ala (NM_001346458.2, NM_001346459.2, NM_001368039.1 and 1 more transcripts); c.887A>C, p.Glu296Ala (NM_001368041.1); short protein forms E296A, E267A, E371A.
Identifiers: ClinVar variation 2097454 (VCV002097454.4), dbSNP rs2541679554, ClinGen allele CA386145824.

ClinVar aggregate classification (germline): Uncertain significance (1 of 4 stars; one submission).

Conditions:
Nephronophthisis 18 (NPHP18). Identifiers: Orphanet 655, MedGen C3890591, MONDO:0014374, OMIM 615862.

Allele frequency attached by ClinVar (database versions not stated): gnomAD exomes below 0.00001.
gnomAD v4.1: 1 of 1,613,024 alleles (0.000062%); highest among the groups gnomAD compares: African/African-American, 0.0013%; no homozygotes.

Submission:

Labcorp Genetics (formerly Invitae), Labcorp
Classification: Uncertain significance for Nephronophthisis 18. Last evaluated: 2024-01-19. Review status: criteria provided, single submitter. Criteria: Invitae Variant Classification Sherloc (09022015). Collection method: clinical testing. Allele origin: germline.
Comment: This sequence change replaces glutamic acid, which is acidic and polar, with alanine, which is neutral and non-polar, at codon 371 of the CEP83 protein (p.Glu371Ala). This variant is not present in population databases (gnomAD no frequency). This variant has not been reported in the literature in individuals affected with CEP83-related conditions. ClinVar contains an entry for this variant (Variation ID: 2097454). Advanced modeling of protein sequence and biophysical properties (such as structural, functional, and spatial information, amino acid conservation, physicochemical variation, residue mobility, and thermodynamic stability) performed at Invitae indicates that this missense variant is not expected to disrupt CEP83 protein function with a negative predictive value of 80%. In summary, the available evidence is currently insufficient to determine the role of this variant in disease. Therefore, it has been classified as a Variant of Uncertain Significance.